The following is an entry in ClinVar:

ClinVar aggregate classification (germline): Uncertain significance (1 of 4 stars; one submission).

Submission:

Ambry Genetics
Classification: Uncertain significance. Last evaluated: 2022-10-17. Review status: criteria provided, single submitter. Criteria: Ambry Variant Classification Scheme 2023. Collection method: clinical testing. Allele origin: germline.
Comment: The p.F1066S variant (also known as c.3197T>C), located in coding exon 17 of the NPAT gene, results from a T to C substitution at nucleotide position 3197. The phenylalanine at codon 1066 is replaced by serine, an amino acid with highly dissimilar properties. This amino acid position is conserved. In addition, the in silico prediction for this alteration is inconclusive. Since supporting evidence is limited at this time, the clinical significance of this alteration remains unclear.

NM_002519.3(NPAT):c.3197T>C (p.Phe1066Ser)

Gene: NPAT (nuclear protein, coactivator of histone transcription; minus strand). Cytogenetic location: 11q22.3.
Variant type: single nucleotide variant.
Coding change: c.3197T>C on transcript NM_002519.3 (MANE Select); coding-DNA position 3197, T replaced by C.
Protein change: p.Phe1066Ser; replaces phenylalanine 1066 with serine.
Molecular consequence: missense variant.
Genome position (GRCh38, 1-based): chr11:108,161,889, A>G on the plus strand (T>C on the coding strand, the complement: NPAT is on the minus strand). VCF-style: chr11-108161889-A-G. GRCh37 (hg19) VCF-style: chr11-108032616-A-G.
Other names: c.3218T>C, p.Phe1073Ser (NM_001321307.1); short protein forms F1073S, F1066S.
Identifiers: ClinVar variation 1728728 (VCV001728728.2), dbSNP rs545948601, ClinGen allele CA382511327.